The following is an entry in ClinVar:

NM_000426.4(LAMA2):c.444dup (p.Pro149fs)

Gene: LAMA2 (laminin subunit alpha 2; plus strand). Cytogenetic location: 6q22.33.
Variant type: Duplication.
Coding change: c.444dup on transcript NM_000426.4 (MANE Select); coding-DNA position 444, one base duplicated (G; older notation c.444dupG).
Protein change: p.Pro149fs; shifts the reading frame from proline 149.
Molecular consequence: frameshift variant.
Genome position (GRCh38, 1-based): chr6:129,098,220, G duplicated; the last of 2 consecutive G bases (chr6:129,098,219-129,098,220); duplicating either gives the same sequence. VCF-style (leftmost placement, unchanged base first): chr6-129098218-C-CG. GRCh37 (hg19) VCF-style: chr6-129419363-C-CG.
Other names: c.444dup, p.Pro149fs (NM_001079823.2); short protein forms P149fs.
Identifiers: ClinVar variation 282978 (VCV000282978.7), dbSNP rs759516529, ClinGen allele CA3992341.

ClinVar aggregate classification (germline): Pathogenic. Review status: criteria provided, multiple submitters, no conflicts (2 of 4 stars). 2 submissions from 2 submitters: Pathogenic (2). Last evaluated 2024-05-08.

Conditions:
LAMA2-related muscular dystrophy (LAMA2-RD). Also called: Laminin alpha 2-related dystrophy. Identifiers: MedGen C5679788, MONDO:0100228.

Submissions (2):

Myriad Genetics, Inc.
Classification: Pathogenic for LAMA2-related muscular dystrophy. Last evaluated: 2024-05-08. Review status: criteria provided, single submitter. Criteria: Myriad Autosomal Dominant, Autosomal Recessive and X-Linked Classification Criteria (2023). Collection method: clinical testing. Allele origin: unknown.
Comment: NM_000426.3(LAMA2):c.444dupG(P149Afs*11) is expected to be pathogenic in the context of muscular dystrophy, LAMA2-related. This variant is predicted to lead to an abnormal or absent protein product due to the creation of a premature termination codon in LAMA2, a gene where loss-of-function variants are known to be pathogenic. Please note: this variant was assessed in the context of healthy population screening.

Eurofins Ntd Llc (ga)
Classification: Pathogenic. Last evaluated: 2015-09-04. Review status: criteria provided, single submitter. Criteria: EGL Classification Definitions. Collection method: clinical testing. Allele origin: germline. Observed: 1 variant allele, 1 heterozygote.